The following is an entry in ClinVar:

ClinVar aggregate classification (germline): Uncertain significance (1 of 4 stars; one submission).

Submission:

Labcorp Genetics (formerly Invitae), Labcorp
Classification: Uncertain significance. Last evaluated: 2022-01-26. Review status: criteria provided, single submitter. Criteria: Invitae Variant Classification Sherloc (09022015). Collection method: clinical testing. Allele origin: germline.
Comment: This sequence change replaces alanine, which is neutral and non-polar, with serine, which is neutral and polar, at codon 694 of the OTOA protein (p.Ala694Ser). This variant is not present in population databases (gnomAD no frequency). This variant has not been reported in the literature in individuals affected with OTOA-related conditions. Algorithms developed to predict the effect of missense changes on protein structure and function (SIFT, PolyPhen-2, Align-GVGD) all suggest that this variant is likely to be tolerated. In summary, the available evidence is currently insufficient to determine the role of this variant in disease. Therefore, it has been classified as a Variant of Uncertain Significance.

NM_144672.4(OTOA):c.2080G>T (p.Ala694Ser)

Gene: OTOA (otoancorin). Cytogenetic location: 16p12.2.
Variant type: single nucleotide variant.
Coding change: c.2080G>T on transcript NM_144672.4 (MANE Select); coding-DNA position 2080, G replaced by T.
Protein change: p.Ala694Ser; replaces alanine 694 with serine.
Molecular consequence: missense variant.
Genome position (GRCh38, 1-based): chr16:21,728,304, G>T. VCF-style: chr16-21728304-G-T. GRCh37 (hg19) VCF-style: chr16-21739625-G-T.
Other names: c.1843G>T, p.Ala615Ser (NM_001161683.2); c.1108G>T, p.Ala370Ser (NM_170664.3); short protein forms A615S, A694S, A370S.
Identifiers: ClinVar variation 1938490 (VCV001938490.2), dbSNP rs2507063879, ClinGen allele CA395062139.